The following is an entry in ClinVar:

NM_174936.4(PCSK9):c.10G>A (p.Val4Ile)

Gene: PCSK9 (proprotein convertase subtilisin/kexin type 9; plus strand). Cytogenetic location: 1p32.3.
Variant type: single nucleotide variant.
Coding change: c.10G>A on transcript NM_174936.4 (MANE Select); coding-DNA position 10, G replaced by A.
Protein change: p.Val4Ile; replaces valine 4 with isoleucine.
Molecular consequence: missense variant.
Genome position (GRCh38, 1-based): chr1:55,039,847, G>A. VCF-style: chr1-55039847-G-A. GRCh37 (hg19) VCF-style: chr1-55505520-G-A.
Other names: short protein forms V4I.
Identifiers: ClinVar variation 492230 (VCV000492230.23), dbSNP rs186669805, ClinGen allele CA035116.
Genomic context (GRCh38, chr1:55,039,847, plus strand): 5'-GCACGGCCTCTAGGTCTCCTCGCCAGGACAGCAACCTCTCCCCTGGCCCTCATGGGCACC[G>A]TCAGCTCCAGGCGGTCCTGGTGGCCGCTGCCACTGCTGCTGCTGCTGCTGCTGCTCCTGG-3'
Protein context (NP_777596.2, residues 1-14): MGT[Val4Ile]SSRRSWWPLP

ClinVar aggregate classification (germline): Conflicting classifications of pathogenicity. Review status: criteria provided, conflicting classifications (1 of 4 stars). 7 submissions from 6 submitters: Uncertain significance (2); Likely benign (5). Last evaluated 2026-09-21.

Conditions:
Hypercholesterolemia, autosomal dominant, 3 (FHCL3). Also called: Familial hypercholesterolemia 3; Familial Hypercholesterolemia, Autosomal Dominant, 3; PCSK9-Related Familial Hypercholesterolemia, Autosomal Dominant. Identifiers: MedGen C1863551, MONDO:0011369, OMIM 603776.
Familial hypercholesterolemia. Also called: Familial hypercholesterolaemia; Familial hypercholesterolemias. Identifiers: MedGen C0020445, MONDO:0005439.
Hypercholesterolemia, familial, 1. Also called: LDL RECEPTOR DISORDER; Hyperlipoproteinemia Type IIa; HYPER-LOW-DENSITY-LIPOPROTEINEMIA; HYPERCHOLESTEROLEMIC XANTHOMATOSIS, FAMILIAL; Fredrickson type IIa hyperlipoproteinemia; Hyperlipoproteinemia type 2. Identifiers: Orphanet 391665, MedGen C0745103, MONDO:0007750, OMIM 143890.
Cardiovascular phenotype. Identifiers: MedGen CN230736.

Allele frequency attached by ClinVar (database versions not stated): gnomAD 0.00002 and 0.00007; 1000 Genomes Project 30x 0.00031; 1000 Genomes Project 0.00040; gnomAD exomes 0.00014 and 0.00021; TOPMed 0.00004.
gnomAD v4.1: 296 of 1,565,614 alleles (0.019%); highest among the groups gnomAD compares: East Asian, 0.68%; 3 homozygotes.

Submissions (7):

Molecular Diagnostic Laboratory for Inherited Cardiovascular Disease, Montreal Heart Institute
Classification: Likely benign. Last evaluated: 2026-09-21. Review status: criteria provided, single submitter. Criteria: ACMG Guidelines, 2015. Collection method: clinical testing. Allele origin: germline. Affected: no.
Comment: BS1, BS2

Labcorp Genetics (formerly Invitae), Labcorp
Classification: Likely benign for Hypercholesterolemia, autosomal dominant, 3. Last evaluated: 2025-11-06. Review status: criteria provided, single submitter. Criteria: Invitae Variant Classification Sherloc (09022015). Collection method: clinical testing. Allele origin: germline.

Women's Health and Genetics/Laboratory Corporation of America, LabCorp
Classification: Likely benign. Last evaluated: 2025-05-09. Review status: criteria provided, single submitter. Criteria: LabCorp Variant Classification Summary - May 2015. Collection method: clinical testing. Allele origin: germline.

Ambry Genetics
Classification: Likely benign for Cardiovascular phenotype. Last evaluated: 2020-09-30. Review status: criteria provided, single submitter. Criteria: Ambry Variant Classification Scheme 2023. Collection method: clinical testing. Allele origin: germline.

Illumina Laboratory Services, Illumina
Classification: Uncertain significance for Hypercholesterolemia, autosomal dominant, 3. Last evaluated: 2019-05-29. Review status: criteria provided, single submitter. Criteria: ICSL Variant Classification Criteria 13 December 2019. Collection method: clinical testing. Allele origin: germline.
Comment: This variant was observed as part of a predisposition screen in an ostensibly healthy population. A literature search was performed for the gene, cDNA change, and amino acid change (where applicable). Publications were found based on this search. However, the evidence from the literature, in combination with allele frequency data from public databases where available, was not sufficient to rule this variant in or out of causing disease. Therefore, this variant is classified as a variant of unknown significance.

Color Diagnostics, LLC DBA Color Health
Classification: Likely benign for Familial hypercholesterolemias. Last evaluated: 2018-04-27. Review status: criteria provided, single submitter. Criteria: ACMG Guidelines, 2015. Collection method: clinical testing. Allele origin: germline.
Comment: Likely Benign based on current evidence: This missense variant is located in the signal peptide domain of the PCSK9 protein. Computational prediction tools and conservation analyses suggest that this variant may not impact the protein function. Computational splicing tools suggest that this variant may not impact the RNA splicing. To our knowledge, functional assays have not been performed for this variant. This variant has been reported in multiple Japanese individuals with familial hypercholesterolemia (PMID: 26374825, 27206942) but also reported to be a common polymorphism in Japan (PMID: 14727156, 27206942). This variant has been identified in 24/12184 East Asian chromosomes (0.1969%) in the general population by the Genome Aggregation Database (gnomAD). This variant allele frequency is greater than expected for the disorder based on prevalence, penetrance, and genetic/allelic heterogeneity. Based on available evidence, this variant is classified as Likely Benign.

Color Diagnostics, LLC DBA Color Health
Classification: Uncertain significance for Familial hypercholesterolemia. Last evaluated: 2017-09-25. Review status: criteria provided, single submitter. Criteria: ACMG Guidelines, 2015. Collection method: clinical testing. Allele origin: germline.
Comment: Variant of Uncertain Significance due to insufficient evidence: This variant is a missense variant located in the signal peptide domain of the PCSK9 protein. Computational prediction tools and conservation analyses suggest that this variant may not impact the protein function. Computational splicing tools suggest that this variant may not impact the RNA splicing. To our knowledge, functional assays have not been performed for this variant. This variant has been reported in multiple Japanese individuals with FH (PMID 26374825, 27206942) but also reported to be a common polymorphism in Japan (PMID 14727156, 27206942). This variant has been identified in 7/1727 East Asian chromosomes in the Exome Aggregation Consortium (ExAC) general population database.

Literature cited by the submitters: PubMed 14727156 (cited by Ambry Genetics); PubMed 17316651 (cited by Ambry Genetics and Illumina Laboratory Services, Illumina); PubMed 22995991 (cited by Ambry Genetics); PubMed 26332594 (cited by Ambry Genetics); PubMed 26374825 (cited by Ambry Genetics); PubMed 27206942 (cited by Ambry Genetics); PubMed 29036232 (cited by Ambry Genetics).